The following is an entry in ClinVar:

ClinVar aggregate classification (germline): Conflicting classifications of pathogenicity. Review status: criteria provided, conflicting classifications (1 of 4 stars). 4 submissions from 4 submitters: Pathogenic (1); Likely pathogenic (1); Uncertain significance (2). Last evaluated 2026-03-17.

Conditions:
Hereditary cancer-predisposing syndrome. Also called: Neoplastic Syndromes, Hereditary; Tumor predisposition; Hereditary Cancer Syndrome; Hereditary neoplastic syndrome. Identifiers: Orphanet 140162, MedGen C0027672, MeSH D009386, MONDO:0015356.
Hereditary pheochromocytoma and paraganglioma. Also called: Hereditary pheochromocytoma-paraganglioma; Hereditary Paraganglioma-Pheochromocytoma Syndromes; Hereditary paragangliomas and pheochromocytomas. Identifiers: Orphanet 29072, MedGen C4274332, MONDO:0017366.
Gastrointestinal stromal tumor. Also called: Gastrointestinal stromal tumor, somatic; Gastrointestinal stroma tumor. Identifiers: Orphanet 44890, MedGen C0238198, MeSH D046152, MONDO:0011719, OMIM 606764, HP:0100723.
Pheochromocytoma/paraganglioma syndrome 3. Also called: Paragangliomas 3; GLOMUS TUMORS, FAMILIAL, 3; SDHC-Related Hereditary Paraganglioma-Pheochromocytoma Syndrome (Paragangliomas 3); SDHC-Related Hereditary Paraganglioma-Pheochromocytoma Syndrome. Identifiers: Orphanet 29072, MedGen C1854336, MONDO:0011544, OMIM 605373.

Submissions (4):

GeneDx
Classification: Likely pathogenic. Last evaluated: 2026-03-17. Review status: criteria provided, single submitter. Criteria: GeneDx Variant Classification Process June 2021. Collection method: clinical testing. Allele origin: germline.
Comment: In silico analysis supports that this missense variant has a deleterious effect on protein structure/function; Not observed at significant frequency in large population cohorts (gnomAD); This variant is associated with the following publications: (PMID: 15989954, 19332149, 24758179, 25950479)

All of Us Research Program, National Institutes of Health
Classification: Uncertain significance for Hereditary pheochromocytoma and paraganglioma. Last evaluated: 2024-09-23. Review status: criteria provided, single submitter. Criteria: ACMG Guidelines, 2015. Collection method: clinical testing. Allele origin: germline. Inheritance: Autosomal dominant inheritance. Observed: 1 variant allele, 1 heterozygote.
Comment: This study involves interpretation of variants in research participants for the purpose of population health screening. Participant phenotype was not available at the time of variant classification. Additional details can be found in publication PMID: 35346344, PMCID: PMC8962531

Ambry Genetics
Classification: Pathogenic for Hereditary cancer-predisposing syndrome. Last evaluated: 2024-08-01. Review status: criteria provided, single submitter. Criteria: Ambry Variant Classification Scheme 2023. Collection method: clinical testing. Allele origin: germline.
Comment: The p.R72G pathogenic mutation (also known as c.214C>G), located in coding exon 4 of the SDHC gene, results from a C to G substitution at nucleotide position 214. The arginine at codon 72 is replaced by glycine, an amino acid with dissimilar properties. Another alteration at the same codon, p.R72H (c.215G>A), has been described in multiple individuals with a paraganglioma (Burnichon N et al. J Clin Endocrinol Metab, 2009 Aug;94:2817-27; Buffet A et al. Horm Metab Res, 2012 May;44:359-66; Gupta S et al. Endocr Pathol, 2016 Sep;27:243-52). Based on internal structural analysis, p.R72G disrupts the catalytic function of succinate dehydrogenase, via impacts on quinone binding and/or reduction to quinol (Sun F et al. Cell, 2005 Jul;121:1043-57; Lemarie A et al. Mitochondrion, 2009 Jul;9:254-60; Kluckova K et al. Cell Death Dis, 2015 May;6:e1749). This amino acid position is highly conserved in available vertebrate species. In addition, this alteration is predicted to be deleterious by in silico analysis. Based on the supporting evidence, this alteration is interpreted as a disease-causing mutation.

Labcorp Genetics (formerly Invitae), Labcorp
Classification: Uncertain significance for Pheochromocytoma/paraganglioma syndrome 3; Gastrointestinal stromal tumor. Last evaluated: 2024-05-26. Review status: criteria provided, single submitter. Criteria: Invitae Variant Classification Sherloc (09022015). Collection method: clinical testing. Allele origin: germline.
Comment: This sequence change replaces arginine, which is basic and polar, with glycine, which is neutral and non-polar, at codon 72 of the SDHC protein (p.Arg72Gly). This variant is not present in population databases (gnomAD no frequency). This missense change has been observed in individual(s) with clinical features of SDHC-related conditions (PMID: 24758179). ClinVar contains an entry for this variant (Variation ID: 1786711). An algorithm developed to predict the effect of missense changes on protein structure and function (PolyPhen-2) suggests that this variant is likely to be disruptive. This variant disrupts the p.Arg72 amino acid residue in SDHC. Other variant(s) that disrupt this residue have been determined to be pathogenic (PMID: 17636259, 18212813, 19454582, 24758179, 25950479, 27262318, 27867439; Invitae). This suggests that this residue is clinically significant, and that variants that disrupt this residue are likely to be disease-causing. In summary, the available evidence is currently insufficient to determine the role of this variant in disease. Therefore, it has been classified as a Variant of Uncertain Significance.

Literature cited by the submitters: PubMed 15989954 (cited by Ambry Genetics); PubMed 19332149 (cited by Ambry Genetics); PubMed 19454582 (cited by Ambry Genetics and Labcorp Genetics (formerly Invitae), Labcorp); PubMed 22517557 (cited by Ambry Genetics); PubMed 24758179 (cited by Ambry Genetics and Labcorp Genetics (formerly Invitae), Labcorp); PubMed 25950479 (cited by Ambry Genetics and Labcorp Genetics (formerly Invitae), Labcorp); PubMed 27262318 (cited by Ambry Genetics and Labcorp Genetics (formerly Invitae), Labcorp); PubMed 17636259 (cited by Labcorp Genetics (formerly Invitae), Labcorp); PubMed 18212813 (cited by Labcorp Genetics (formerly Invitae), Labcorp); PubMed 27867439 (cited by Labcorp Genetics (formerly Invitae), Labcorp).

NM_003001.5(SDHC):c.214C>G (p.Arg72Gly)

Gene: SDHC (succinate dehydrogenase complex subunit C; plus strand). Cytogenetic location: 1q23.3.
Variant type: single nucleotide variant.
Coding change: c.214C>G on transcript NM_003001.5 (MANE Select); coding-DNA position 214, C replaced by G.
Protein change: p.Arg72Gly; replaces arginine 72 with glycine.
Molecular consequence: missense variant.
Genome position (GRCh38, 1-based): chr1:161,340,628, C>G. VCF-style: chr1-161340628-C-G. GRCh37 (hg19) VCF-style: chr1-161310418-C-G.
Other names: c.214C>G, p.Arg72Gly (NM_001035511.3); c.112C>G, p.Arg38Gly (NM_001035512.3, NM_001278172.3, NM_001407118.1); c.55C>G, p.Arg19Gly (NM_001035513.3); c.334C>G, p.Arg112Gly (NM_001407115.1); c.157C>G, p.Arg53Gly (NM_001407116.1, NM_001407117.1, NM_001407121.1); c.103C>G, p.Arg35Gly (NM_001407119.1, NM_001407120.1); short protein forms R53G, R112G, R35G, R38G, R72G, R19G.
Identifiers: ClinVar variation 1786711 (VCV001786711.10), dbSNP rs756676111, ClinGen allele CA343365918.